The following is an entry in ClinVar:

NM_001035.3(RYR2):c.13678G>A (p.Val4560Ile)

Gene: RYR2 (ryanodine receptor 2; plus strand). Cytogenetic location: 1q43.
Variant type: single nucleotide variant.
Coding change: c.13678G>A on transcript NM_001035.3 (MANE Select); coding-DNA position 13678, G replaced by A.
Protein change: p.Val4560Ile; replaces valine 4560 with isoleucine.
Molecular consequence: missense variant.
Genome position (GRCh38, 1-based): chr1:237,792,219, G>A. VCF-style: chr1-237792219-G-A. GRCh37 (hg19) VCF-style: chr1-237955519-G-A.
Other names: short protein forms V4560I.
Identifiers: ClinVar variation 3073773 (VCV003073773.2), dbSNP rs1658459972, ClinGen allele CA345417499.
Genomic context (GRCh38, chr1:237,792,219, plus strand): 5'-GAAAATGCCAAAGTGACAAGCCTGGACAGCAGCTCCCATAGAATCATCGCAGTTCACTAT[G>A]TACTAGAGGAGAGCAGCGGCTACATGGAGCCCACGTTGCGTATCTTAGCTATTCTGCACA-3'
Protein context (NP_001026.2, residues 4550-4570): SSHRIIAVHY[Val4560Ile]LEESSGYMEP

ClinVar aggregate classification (germline): Uncertain significance. Review status: criteria provided, multiple submitters, no conflicts (2 of 4 stars). 2 submissions from 2 submitters: Uncertain significance (2). Last evaluated 2023-10-06.

Conditions:
Catecholaminergic polymorphic ventricular tachycardia (CVPT). Also called: Catecholamine-induced polymorphic ventricular tachycardia. Identifiers: Orphanet 3286, MedGen C5574922, MONDO:0017990.
Cardiomyopathy (CMYO). Also called: Cardiomyopathies. Identifiers: Orphanet 167848, MedGen C0878544, MONDO:0004994, HP:0001638. Inheritance: Various modes of inheritance.

Allele frequency attached by ClinVar (database versions not stated): gnomAD exomes below 0.00001; TOPMed below 0.00001.

Submissions (2):

All of Us Research Program, National Institutes of Health
Classification: Uncertain significance for Catecholaminergic polymorphic ventricular tachycardia. Last evaluated: 2023-10-06. Review status: criteria provided, single submitter. Criteria: ACMG Guidelines, 2015. Collection method: clinical testing. Allele origin: germline. Inheritance: Autosomal dominant inheritance. Observed: 1 variant allele, 1 heterozygote.
Comment: This missense variant replaces valine with isoleucine at codon 4560 of the RYR2 protein. Computational prediction suggests that this variant may not impact protein structure and function (internally defined REVEL score threshold <= 0.5, PMID: 27666373). To our knowledge, functional studies have not been reported for this variant. This variant has not been reported in individuals affected with RYR2-related disorders in the literature. This variant has not been identified in the general population by the Genome Aggregation Database (gnomAD). The available evidence is insufficient to determine the role of this variant in disease conclusively. Therefore, this variant is classified as a Variant of Uncertain Significance.

This study involves interpretation of variants in research participants for the purpose of population health screening. Participant phenotype was not available at the time of variant classification. Additional details can be found in publication PMID: 35346344, PMCID: PMC8962531

Color Diagnostics, LLC DBA Color Health
Classification: Uncertain significance for Cardiomyopathy. Last evaluated: 2023-09-27. Review status: criteria provided, single submitter. Criteria: ACMG Guidelines, 2015. Collection method: clinical testing. Allele origin: germline.
Comment: This missense variant replaces valine with isoleucine at codon 4560 of the RYR2 protein. Computational prediction suggests that this variant may not impact protein structure and function. To our knowledge, functional studies have not been reported for this variant. This variant has not been reported in individuals affected with RYR2-related disorders in the literature. This variant has not been identified in the general population by the Genome Aggregation Database (gnomAD). The available evidence is insufficient to determine the role of this variant in disease conclusively. Therefore, this variant is classified as a Variant of Uncertain Significance.